The following is an entry in ClinVar:

NM_000171.4(GLRA1):c.836C>T (p.Ala279Val)

Gene: GLRA1 (glycine receptor alpha 1; minus strand). Cytogenetic location: 5q33.1.
Variant type: single nucleotide variant.
Coding change: c.836C>T on transcript NM_000171.4 (MANE Select); coding-DNA position 836, C replaced by T.
Protein change: p.Ala279Val; replaces alanine 279 with valine.
Molecular consequence: missense variant.
Genome position (GRCh38, 1-based): chr5:151,851,466, G>A on the plus strand (C>T on the coding strand, the complement: GLRA1 is on the minus strand). VCF-style: chr5-151851466-G-A. GRCh37 (hg19) VCF-style: chr5-151231027-G-A.
Other names: c.836C>T, p.Ala279Val (NM_001146040.2); c.587C>T, p.Ala196Val (NM_001292000.2); short protein forms A196V, A279V.
Identifiers: ClinVar variation 959739 (VCV000959739.9), dbSNP rs900189503, ClinGen allele CA129986082.

ClinVar aggregate classification (germline): Uncertain significance (1 of 4 stars; one submission).

Conditions:
Hereditary hyperekplexia. Identifiers: Orphanet 3197, MedGen C4084968, MONDO:0021022.

Allele frequency attached by ClinVar (database versions not stated): TOPMed below 0.00001; gnomAD 0.00001; gnomAD exomes 0.00001 and 0.00002.
gnomAD v4.1: 5 of 1,613,912 alleles (0.00031%); highest among the groups gnomAD compares: African/African-American, 0.0067%; no homozygotes.

Submission:

Labcorp Genetics (formerly Invitae), Labcorp
Classification: Uncertain significance for Hereditary hyperekplexia. Last evaluated: 2020-01-10. Review status: criteria provided, single submitter. Criteria: Invitae Variant Classification Sherloc (09022015). Collection method: clinical testing. Allele origin: germline.
Comment: In summary, the available evidence is currently insufficient to determine the role of this variant in disease. Therefore, it has been classified as a Variant of Uncertain Significance. Algorithms developed to predict the effect of missense changes on protein structure and function (SIFT, PolyPhen-2, Align-GVGD) all suggest that this variant is likely to be disruptive, but these predictions have not been confirmed by published functional studies and their clinical significance is uncertain. This variant has not been reported in the literature in individuals with GLRA1-related conditions. This variant is not present in population databases (ExAC no frequency). This sequence change replaces alanine with valine at codon 279 of the GLRA1 protein (p.Ala279Val). The alanine residue is highly conserved and there is a small physicochemical difference between alanine and valine.